The following is an entry in ClinVar:

NM_000186.4(CFH):c.1478C>G (p.Thr493Arg)

Gene: CFH (complement factor H; plus strand). Cytogenetic location: 1q31.3.
Variant type: single nucleotide variant.
Coding change: c.1478C>G on transcript NM_000186.4 (MANE Select); coding-DNA position 1478, C replaced by G.
Protein change: p.Thr493Arg; replaces threonine 493 with arginine.
Molecular consequence: missense variant.
Genome position (GRCh38, 1-based): chr1:196,713,876, C>G. VCF-style: chr1-196713876-C-G. GRCh37 (hg19) VCF-style: chr1-196683006-C-G.
Other names: short protein forms T493R.
Identifiers: ClinVar variation 4291395 (VCV004291395.1).

ClinVar aggregate classification (germline): Uncertain significance (1 of 4 stars; one submission).

Conditions:
Atypical hemolytic-uremic syndrome. Identifiers: Orphanet 2134, MedGen C2931788, MONDO:0016244.
Basal laminar drusen. Also called: DRUSEN OF BRUCH MEMBRANE; DRUSEN, CUTICULAR; DRUSEN, EARLY ADULT-ONSET, GROUPED. Identifiers: Orphanet 75376, MedGen C0730295, MONDO:0007472, OMIM 126700.
Factor H deficiency (CFHD). Also called: COMPLEMENT FACTOR H DEFICIENCY; CFH DEFICIENCY. Identifiers: Orphanet 200421, MedGen C0398777, MONDO:0012350, OMIM 609814.
Age related macular degeneration 4. Identifiers: MedGen C1853147, MONDO:0012540, OMIM 610698.

Submission:

Genomenon, Inc
Classification: Uncertain significance for Basal laminar drusen; Age related macular degeneration 4; Atypical hemolytic-uremic syndrome; Factor H deficiency. Last evaluated: 2025-10-02. Review status: criteria provided, single submitter. Criteria: Genomenon Sequence Variant Interpretation Standards - Updated. Collection method: curation. Allele origin: germline. Affected: no.
Comment: CFH p.Thr493Arg (c.1478C>G) is a missense variant that changes the amino acid at residue 493 from Threonine to Arginine. This variant has been reported in the published literature (PMID:17089378;9312129). It is absent or not present at a significant frequency in gnomAD. In silico models agree that this variant is not damaging. In conclusion, we classify CFH p.Thr493Arg (c.1478C>G) as a variant of uncertain significance.

Literature cited by the submitters: PubMed 17089378; PubMed 9312129.